The following is an entry in ClinVar:

NM_000807.4(GABRA2):c.159C>A (p.Tyr53Ter)

Gene: GABRA2 (gamma-aminobutyric acid type A receptor subunit alpha2; minus strand). Cytogenetic location: 4p12.
Variant type: single nucleotide variant.
Coding change: c.159C>A on transcript NM_000807.4 (MANE Select); coding-DNA position 159, C replaced by A.
Protein change: p.Tyr53Ter; replaces tyrosine 53 with a stop codon.
Molecular consequence: nonsense. On other transcripts: missense variant (4).
Genome position (GRCh38, 1-based): chr4:46,386,102, G>T on the plus strand (C>A on the coding strand, the complement: GABRA2 is on the minus strand). VCF-style: chr4-46386102-G-T. GRCh37 (hg19) VCF-style: chr4-46388119-G-T.
Other names: c.159C>A, p.Tyr53Ter (NM_001114175.3, NM_001330690.2, NM_001377144.1 and 8 more transcripts); c.62C>A, p.Thr21Lys (NM_001286827.3, NM_001377152.1, NM_001377153.1 and 1 more transcripts); short protein forms Y53*, T21K.
Identifiers: ClinVar variation 2769774 (VCV002769774.3), dbSNP rs75636490, ClinGen allele CA356802974.

ClinVar aggregate classification (germline): Uncertain significance (1 of 4 stars; one submission).

Submission:

Labcorp Genetics (formerly Invitae), Labcorp
Classification: Uncertain significance. Last evaluated: 2023-06-05. Review status: criteria provided, single submitter. Criteria: Invitae Variant Classification Sherloc (09022015). Collection method: clinical testing. Allele origin: germline.
Comment: In summary, the available evidence is currently insufficient to determine the role of this variant in disease. Therefore, it has been classified as a Variant of Uncertain Significance. This variant has not been reported in the literature in individuals affected with GABRA2-related conditions. This variant is not present in population databases (gnomAD no frequency). This sequence change creates a premature translational stop signal (p.Tyr53*) in the GABRA2 gene. It is expected to result in an absent or disrupted protein product. However, the current clinical and genetic evidence is not sufficient to establish whether loss-of-function variants in GABRA2 cause disease.